The following is an entry in ClinVar:

NM_000257.4(MYH7):c.578A>G (p.Gln193Arg)

Gene: MYH7 (myosin heavy chain 7; minus strand). Cytogenetic location: 14q11.2.
Variant type: single nucleotide variant.
Coding change: c.578A>G on transcript NM_000257.4 (MANE Select); coding-DNA position 578, A replaced by G.
Protein change: p.Gln193Arg; replaces glutamine 193 with arginine.
Molecular consequence: missense variant.
Genome position (GRCh38, 1-based): chr14:23,431,822, T>C on the plus strand (A>G on the coding strand, the complement: MYH7 is on the minus strand). VCF-style: chr14-23431822-T-C. GRCh37 (hg19) VCF-style: chr14-23901031-T-C.
Other names: c.578A>G, p.Gln193Arg (NM_001407004.1); short protein forms Q193R.
Identifiers: ClinVar variation 2501805 (VCV002501805.4), dbSNP rs1472887126, ClinGen allele CA389052497.

ClinVar aggregate classification (germline): Uncertain significance. Review status: criteria provided, single submitter (1 of 4 stars). 2 submissions from 2 submitters: Uncertain significance (1). 1 of the submissions does not count toward it. Last evaluated 2025-11-25.

Conditions:
Cardiomyopathy (CMYO). Also called: Cardiomyopathies. Identifiers: Orphanet 167848, MedGen C0878544, MONDO:0004994, HP:0001638. Inheritance: Various modes of inheritance.
Hypertrophic cardiomyopathy. Also called: HYPERTROPHIC MYOCARDIOPATHY. Identifiers: Orphanet 217569, MedGen C0007194, MeSH D002312, MONDO:0005045, HP:0001639.

Submissions (2):

Labcorp Genetics (formerly Invitae), Labcorp
Classification: Uncertain significance for Hypertrophic cardiomyopathy. Last evaluated: 2025-11-25. Review status: criteria provided, single submitter. Criteria: Invitae Variant Classification Sherloc (09022015). Collection method: clinical testing. Allele origin: germline.
Comment: This sequence change replaces glutamine, which is neutral and polar, with arginine, which is basic and polar, at codon 193 of the MYH7 protein (p.Gln193Arg). This variant is not present in population databases (gnomAD no frequency). This missense change has been observed in individual(s) with hypertrophic cardiomyopathy or dilated cardiomyopathy (PMID: 27532257, 37652022). ClinVar contains an entry for this variant (Variation ID: 2501805). Invitae Evidence Modeling of protein sequence and biophysical properties (such as structural, functional, and spatial information, amino acid conservation, physicochemical variation, residue mobility, and thermodynamic stability) indicates that this missense variant is expected to disrupt MYH7 protein function with a positive predictive value of 95%. In summary, the available evidence is currently insufficient to determine the role of this variant in disease. Therefore, it has been classified as a Variant of Uncertain Significance.

Institute of Human Genetics, University of Wuerzburg
Classification: Likely pathogenic for Cardiomyopathy. Review status: no assertion criteria provided. Collection method: clinical testing. Allele origin: unknown. Affected: yes. Observed: 1 variant allele. Not counted in ClinVar's aggregate classification.

Literature cited by the submitters: PubMed 27532257 (cited by Labcorp Genetics (formerly Invitae), Labcorp); PubMed 37652022 (cited by Labcorp Genetics (formerly Invitae), Labcorp).